The following is an entry in ClinVar:

NM_001142459.2(ASB10):c.798C>T (p.Ala266=)

Gene: ASB10 (ankyrin repeat and SOCS box containing 10; minus strand). Cytogenetic location: 7q36.1.
Variant type: single nucleotide variant.
Coding change: c.798C>T on transcript NM_001142459.2 (MANE Select); coding-DNA position 798, C replaced by T.
Protein change: p.Ala266=; no amino-acid change (alanine 266 retained).
Molecular consequence: synonymous variant.
Genome position (GRCh38, 1-based): chr7:151,181,245, G>A on the plus strand (C>T on the coding strand, the complement: ASB10 is on the minus strand). VCF-style: chr7-151181245-G-A. GRCh37 (hg19) VCF-style: chr7-150878332-G-A.
Other names: c.798C>T, p.Ala266= (NM_001142460.1); c.753C>T, p.Ala251= (NM_080871.4).
Identifiers: ClinVar variation 677216 (VCV000677216.11), dbSNP rs61743170, ClinGen allele CA4573763.
Genomic context (GRCh38, chr7:151,181,245, plus strand): 5'-GTCTGCTCCAGCTGAAAGCAGCAAGCTGCACAGCTGCAGGCAGCGGGCGGTGGTGGCCTC[G>A]GCATCGGTGATGGACTGGCAGCGGACGTCACAGGCAGCCAGCAGTGGGGTCCAGCCTTCG-3'
Protein context (NP_001135931.2, residues 256-276): CDVRCQSITD[Ala266=]EATTARCLQL

ClinVar aggregate classification (germline): Benign. Review status: criteria provided, multiple submitters, no conflicts (2 of 4 stars). 4 submissions from 4 submitters: Benign (4). Last evaluated 2026-02-02.

Conditions:
ASB10-related disorder. Also called: ASB10-related condition.

Allele frequency attached by ClinVar (database versions not stated): gnomAD 0.07925 and 0.08067; ESP Exome Variant Server 0.07968; TOPMed 0.08165; 1000 Genomes Project 0.09046; 1000 Genomes Project 30x 0.09275.
gnomAD v4.1: 88,896 of 1,613,038 alleles (5.5%); highest among the groups gnomAD compares: African/African-American, 15%; 2,979 homozygotes.

Submissions (4):

Labcorp Genetics (formerly Invitae), Labcorp
Classification: Benign. Last evaluated: 2026-02-02. Review status: criteria provided, single submitter. Criteria: Invitae Variant Classification Sherloc (09022015). Collection method: clinical testing. Allele origin: germline.

PreventionGenetics, part of Exact Sciences
Classification: Benign for ASB10-related condition. Last evaluated: 2025-03-27. Review status: criteria provided, single submitter. Criteria: ACMG Guidelines, 2015. Collection method: clinical testing. Allele origin: germline.
Comment: This variant is classified as benign based on ACMG/AMP sequence variant interpretation guidelines (Richards et al. 2015 PMID: 25741868, with internal and published modifications).

GeneDx
Classification: Benign. Last evaluated: 2018-04-19. Review status: criteria provided, single submitter. Criteria: GeneDx Variant Classification (06012015). Collection method: clinical testing. Allele origin: germline. Affected: yes.
Comment: This variant is considered likely benign or benign based on one or more of the following criteria: it is a conservative change, it occurs at a poorly conserved position in the protein, it is predicted to be benign by multiple in silico algorithms, and/or has population frequency not consistent with disease.

Breakthrough Genomics
Classification: Benign. Review status: criteria provided, single submitter. Criteria: ACMG Guidelines, 2015. Collection method: not provided. Allele origin: germline. Inheritance: Autosomal dominant inheritance. Affected: yes.